The following is an entry in ClinVar:

ClinVar aggregate classification (germline): Uncertain significance (1 of 4 stars; one submission).

Allele frequency attached by ClinVar (database versions not stated): gnomAD exomes 0.00002; TOPMed 0.00002; ExAC 0.00003; gnomAD 0.00004; 1000 Genomes Project 0.00020; 1000 Genomes Project 30x 0.00031.
gnomAD v4.1: 27 of 1,612,986 alleles (0.0017%); highest among the groups gnomAD compares: Admixed American, 0.0083%; no homozygotes.

Submission:

Labcorp Genetics (formerly Invitae), Labcorp
Classification: Uncertain significance. Last evaluated: 2024-10-23. Review status: criteria provided, single submitter. Criteria: Invitae Variant Classification Sherloc (09022015). Collection method: clinical testing. Allele origin: germline.
Comment: This sequence change replaces arginine, which is basic and polar, with cysteine, which is neutral and slightly polar, at codon 918 of the AHDC1 protein (p.Arg918Cys). This variant is present in population databases (rs565666869, gnomAD 0.003%). This variant has not been reported in the literature in individuals affected with AHDC1-related conditions. An algorithm developed to predict the effect of missense changes on protein structure and function (PolyPhen-2) suggests that this variant is likely to be disruptive. In summary, the available evidence is currently insufficient to determine the role of this variant in disease. Therefore, it has been classified as a Variant of Uncertain Significance.

NM_001371928.1(AHDC1):c.2752C>T (p.Arg918Cys)

Gene: AHDC1 (AT-hook DNA binding motif containing 1; minus strand). Cytogenetic location: 1p36.11.
Variant type: single nucleotide variant.
Coding change: c.2752C>T on transcript NM_001371928.1 (MANE Select); coding-DNA position 2752, C replaced by T.
Protein change: p.Arg918Cys; replaces arginine 918 with cysteine.
Molecular consequence: missense variant.
Genome position (GRCh38, 1-based): chr1:27,549,364, G>A on the plus strand (C>T on the coding strand, the complement: AHDC1 is on the minus strand). VCF-style: chr1-27549364-G-A. GRCh37 (hg19) VCF-style: chr1-27875875-G-A.
Other names: c.2752C>T, p.Arg918Cys (NM_001029882.3); short protein forms R918C.
Identifiers: ClinVar variation 2712948 (VCV002712948.3), dbSNP rs565666869, ClinGen allele CA715702.